The following is an entry in ClinVar:

NM_004380.3(CREBBP):c.4133+4A>G

Gene: CREBBP (CREB binding lysine acetyltransferase; minus strand). Cytogenetic location: 16p13.3.
Variant type: single nucleotide variant.
Coding change: c.4133+4A>G on transcript NM_004380.3 (MANE Select); 4 bases into the intron after coding-DNA position 4133, A replaced by G.
Molecular consequence: intron variant.
Genome position (GRCh38, 1-based): chr16:3,740,395, T>C on the plus strand (A>G on the coding strand, the complement: CREBBP is on the minus strand). VCF-style: chr16-3740395-T-C. GRCh37 (hg19) VCF-style: chr16-3790396-T-C.
Other names: c.4019+4A>G (NM_001079846.1).
Identifiers: ClinVar variation 195819 (VCV000195819.28), dbSNP rs372126168, ClinGen allele CA201953.
Genomic context (GRCh38, chr16:3,740,395, plus strand): 5'-GCAGGCTCTGGCAAGCGGGCGTGGGGACTGCTCGCAGAGCACTGTAGAGAGCAGGCACAC[T>C]GACCGTGACTTCATCCCGGGCTTGACCTCCACCGTCTTGTCTGAGCTGGCCACCACTCGG-3'

ClinVar aggregate classification (germline): Conflicting classifications of pathogenicity. Review status: criteria provided, conflicting classifications (1 of 4 stars). 7 submissions from 7 submitters: Uncertain significance (1); Benign (2); Likely benign (3). 1 of the submissions does not count toward it. Last evaluated 2026-01-31.

Conditions:
CREBBP-related disorder. Also called: CREBBP-related condition; CREBBP-related disorders.
Rubinstein-Taybi syndrome (RSTS). Identifiers: Orphanet 783, MedGen C0035934, MONDO:0019188.
Inborn genetic diseases. Identifiers: MedGen C0950123, MeSH D030342.

Allele frequency attached by ClinVar (database versions not stated): 1000 Genomes Project 30x 0.00016; 1000 Genomes Project 0.00020; gnomAD exomes 0.00032 and 0.00013; ExAC 0.00038; gnomAD 0.00113 and 0.00124; TOPMed 0.00151; ESP Exome Variant Server 0.00154.

Submissions (9):

Labcorp Genetics (formerly Invitae), Labcorp
Classification: Likely benign for Rubinstein-Taybi syndrome. Last evaluated: 2026-01-31. Review status: criteria provided, single submitter. Criteria: Invitae Variant Classification Sherloc (09022015). Collection method: clinical testing. Allele origin: germline.

CeGaT Center for Human Genetics Tuebingen
Classification: Likely benign. Last evaluated: 2025-03-01. Review status: criteria provided, single submitter. Criteria: CeGaT Center For Human Genetics Tuebingen Variant Classification Criteria Version 2. Collection method: clinical testing. Allele origin: germline. Affected: yes. Observed: 1 variant allele.
Comment: CREBBP: BS1

Blueprint Genetics
Classification: Likely benign. Last evaluated: 2024-10-25. Review status: criteria provided, single submitter. Criteria: ACMG Guidelines, 2015. Collection method: clinical testing. Allele origin: germline.

GeneDx
Classification: Benign. Last evaluated: 2019-02-19. Review status: criteria provided, single submitter. Criteria: GeneDx Variant Classification Process June 2021. Collection method: clinical testing. Allele origin: germline. Affected: yes.

Ambry Genetics
Classification: Uncertain significance for Inborn genetic diseases. Last evaluated: 2017-12-15. Review status: criteria provided, single submitter. Criteria: Ambry Variant Classification Scheme 2023. Collection method: clinical testing. Allele origin: germline.
Comment: The c.4133+4A>G intronic variant results from an A to G substitution 4 nucleotides after coding exon 24 in the CREBBP gene. This nucleotide position is not well conserved in available vertebrate species. Using the BDGP and ESEfinder splice site prediction tools, this alteration is predicted to weaken the efficiency of the native splice donor site; however, direct evidence is unavailable. Since supporting evidence is limited at this time, the clinical significance of this alteration remains unclear.

Eurofins Ntd Llc (ga)
Classification: Benign. Last evaluated: 2014-07-22. Review status: criteria provided, single submitter. Criteria: EGL Classification Definitions 2015. Collection method: clinical testing. Allele origin: germline. Observed: 1 variant allele, 1 heterozygote.

PreventionGenetics, part of Exact Sciences
Classification: Benign for CREBBP-related condition. Last evaluated: 2021-09-14. Review status: no assertion criteria provided. Collection method: clinical testing. Allele origin: germline. Not counted in ClinVar's aggregate classification.
Comment: This variant is classified as benign based on ACMG/AMP sequence variant interpretation guidelines (Richards et al. 2015 PMID: 25741868, with internal and published modifications).

Dr. Peter K. Rogan Lab, Western University
No classification provided (evidence only). Condition: Familial cancer of breast. Review status: no classification provided. Collection method: in vitro. Allele origin: not applicable. Functional consequence: retained intron. Not counted in ClinVar's aggregate classification.

Dr. Peter K. Rogan Lab, Western University
No classification provided (evidence only). Condition: Uterine corpus endometrial carcinoma. Review status: no classification provided. Collection method: in vitro. Allele origin: not applicable. Functional consequence: retained intron. Not counted in ClinVar's aggregate classification.